The following is an entry in ClinVar:

ClinVar aggregate classification (germline): Uncertain significance (1 of 4 stars; one submission).

Submission:

CeGaT Center for Human Genetics Tuebingen
Classification: Uncertain significance. Last evaluated: 2026-09-01. Review status: criteria provided, single submitter. Criteria: CeGaT Center For Human Genetics Tuebingen Variant Classification Criteria Version 2. Collection method: clinical testing. Allele origin: germline. Affected: yes. Observed: 1 variant allele.
Comment: MED12: PM2, BP4

NM_005120.3(MED12):c.2422+5C>T

Gene: MED12 (mediator complex subunit 12; plus strand). Cytogenetic location: Xq13.1.
Variant type: single nucleotide variant.
Coding change: c.2422+5C>T on transcript NM_005120.3 (MANE Select); 5 bases into the intron after coding-DNA position 2422, C replaced by T.
Molecular consequence: intron variant.
Genome position (GRCh38, 1-based): chrX:71,125,718, C>T. VCF-style: chrX-71125718-C-T. GRCh37 (hg19) VCF-style: chrX-70345568-C-T.
Identifiers: ClinVar variation 5041810 (VCV005041810.1).